The following is an entry in ClinVar:

ClinVar aggregate classification (germline): Uncertain significance (1 of 4 stars; one submission).

Submission:

GeneDx
Classification: Uncertain significance. Last evaluated: 2025-04-22. Review status: criteria provided, single submitter. Criteria: GeneDx Variant Classification Process June 2021. Collection method: clinical testing. Allele origin: germline. Affected: yes.
Comment: Not observed at significant frequency in large population cohorts (gnomAD); In silico analysis indicates that this missense variant does not alter protein structure/function; Has not been previously published as pathogenic or benign to our knowledge

NM_004187.5(KDM5C):c.185A>G (p.Asn62Ser)

Gene: KDM5C (lysine demethylase 5C; minus strand). Cytogenetic location: Xp11.22.
Variant type: single nucleotide variant.
Coding change: c.185A>G on transcript NM_004187.5 (MANE Select); coding-DNA position 185, A replaced by G.
Protein change: p.Asn62Ser; replaces asparagine 62 with serine.
Molecular consequence: missense variant. On other transcripts: non-coding transcript variant (3), intron variant (1).
Genome position (GRCh38, 1-based): chrX:53,220,882, T>C on the plus strand (A>G on the coding strand, the complement: KDM5C is on the minus strand). VCF-style: chrX-53220882-T-C. GRCh37 (hg19) VCF-style: chrX-53250064-T-C.
Other names: c.185A>G, p.Asn62Ser (NM_001282622.3, NM_001353978.3, NM_001353979.2 and 3 more transcripts); c.151-2916A>G (NM_001146702.2); short protein forms N62S.
Identifiers: ClinVar variation 4527287 (VCV004527287.1).